The following is an entry in ClinVar:

ClinVar aggregate classification (germline): Conflicting classifications of pathogenicity. Review status: criteria provided, conflicting classifications (1 of 4 stars). 4 submissions from 4 submitters: Uncertain significance (3); Likely benign (1). Last evaluated 2025-05-01.

Conditions:
Hereditary cancer-predisposing syndrome. Also called: Hereditary neoplastic syndrome; Neoplastic Syndromes, Hereditary; Tumor predisposition; Hereditary Cancer Syndrome. Identifiers: Orphanet 140162, MedGen C0027672, MeSH D009386, MONDO:0015356.
Familial meningioma. Also called: Meningioma, familial, susceptibility to. Identifiers: Orphanet 263662, MedGen C3551915, MONDO:0011789, OMIM 607174.

Allele frequency attached by ClinVar (database versions not stated): gnomAD exomes below 0.00001; TOPMed below 0.00001.

Submissions (4):

Labcorp Genetics (formerly Invitae), Labcorp
Classification: Uncertain significance for Familial meningioma. Last evaluated: 2025-05-01. Review status: criteria provided, single submitter. Criteria: Invitae Variant Classification Sherloc (09022015). Collection method: clinical testing. Allele origin: germline.
Comment: This sequence change replaces isoleucine, which is neutral and non-polar, with leucine, which is neutral and non-polar, at codon 248 of the SMARCE1 protein (p.Ile248Leu). This variant is not present in population databases (gnomAD no frequency). This variant has not been reported in the literature in individuals affected with SMARCE1-related conditions. ClinVar contains an entry for this variant (Variation ID: 1005440). Invitae Evidence Modeling of protein sequence and biophysical properties (such as structural, functional, and spatial information, amino acid conservation, physicochemical variation, residue mobility, and thermodynamic stability) indicates that this missense variant is not expected to disrupt SMARCE1 protein function with a negative predictive value of 80%. In summary, the available evidence is currently insufficient to determine the role of this variant in disease. Therefore, it has been classified as a Variant of Uncertain Significance.

GeneDx
Classification: Uncertain significance. Last evaluated: 2023-08-05. Review status: criteria provided, single submitter. Criteria: GeneDx Variant Classification Process June 2021. Collection method: clinical testing. Allele origin: germline. Affected: yes.
Comment: Not observed at significant frequency in large population cohorts (gnomAD); In silico analysis supports that this missense variant does not alter protein structure/function; Has not been previously published as pathogenic or benign to our knowledge; This variant is associated with the following publications: (PMID: 9435219)

Ambry Genetics
Classification: Likely benign for Hereditary cancer-predisposing syndrome. Last evaluated: 2021-03-12. Review status: criteria provided, single submitter. Criteria: Ambry Variant Classification Scheme 2023. Collection method: clinical testing. Allele origin: germline.

Greenwood Genetic Center Diagnostic Laboratories, Greenwood Genetic Center
Classification: Uncertain significance. Last evaluated: 2021-01-11. Review status: criteria provided, single submitter. Criteria: ACMG Guidelines, 2015. Collection method: clinical testing. Allele origin: germline. Affected: yes.
Comment: BP4, PM2

NM_003079.5(SMARCE1):c.742A>T (p.Ile248Leu)

Gene: SMARCE1 (SWI/SNF related BAF chromatin remodeling complex subunit E1; minus strand). Cytogenetic location: 17q21.2.
Variant type: single nucleotide variant.
Coding change: c.742A>T on transcript NM_003079.5 (MANE Select); coding-DNA position 742, A replaced by T.
Protein change: p.Ile248Leu; replaces isoleucine 248 with leucine.
Molecular consequence: missense variant.
Genome position (GRCh38, 1-based): chr17:40,631,666, T>A on the plus strand (A>T on the coding strand, the complement: SMARCE1 is on the minus strand). VCF-style: chr17-40631666-T-A. GRCh37 (hg19) VCF-style: chr17-38787918-T-A.
Other names: short protein forms I248L.
Identifiers: ClinVar variation 1005440 (VCV001005440.15), dbSNP rs2037096994, ClinGen allele CA399364461.